The following is an entry in ClinVar:

ClinVar aggregate classification (germline): Uncertain significance (1 of 4 stars; one submission).

Allele frequency attached by ClinVar (database versions not stated): gnomAD exomes below 0.00001 and 0.00001; ExAC 0.00002; TOPMed 0.00006; ESP Exome Variant Server 0.00008; gnomAD 0.00009.
gnomAD v4.1: 17 of 1,613,912 alleles (0.0011%); highest among the groups gnomAD compares: African/African-American, 0.02%; no homozygotes.

Submission:

Labcorp Genetics (formerly Invitae), Labcorp
Classification: Uncertain significance. Last evaluated: 2022-06-18. Review status: criteria provided, single submitter. Criteria: Invitae Variant Classification Sherloc (09022015). Collection method: clinical testing. Allele origin: germline.
Comment: In summary, the available evidence is currently insufficient to determine the role of this variant in disease. Therefore, it has been classified as a Variant of Uncertain Significance. Algorithms developed to predict the effect of missense changes on protein structure and function are either unavailable or do not agree on the potential impact of this missense change (SIFT: "Tolerated"; PolyPhen-2: "Possibly Damaging"; Align-GVGD: "Class C0"). This variant has not been reported in the literature in individuals affected with FERMT1-related conditions. This variant is present in population databases (rs181604705, gnomAD 0.02%). This sequence change replaces proline, which is neutral and non-polar, with leucine, which is neutral and non-polar, at codon 521 of the FERMT1 protein (p.Pro521Leu).

NM_017671.5(FERMT1):c.1562C>T (p.Pro521Leu)

Gene: FERMT1 (FERM domain containing kindlin 1; minus strand). Cytogenetic location: 20p12.3.
Variant type: single nucleotide variant.
Coding change: c.1562C>T on transcript NM_017671.5 (MANE Select); coding-DNA position 1562, C replaced by T.
Protein change: p.Pro521Leu; replaces proline 521 with leucine.
Molecular consequence: missense variant.
Genome position (GRCh38, 1-based): chr20:6,085,097, G>A on the plus strand (C>T on the coding strand, the complement: FERMT1 is on the minus strand). VCF-style: chr20-6085097-G-A. GRCh37 (hg19) VCF-style: chr20-6065744-G-A.
Other names: short protein forms P521L.
Identifiers: ClinVar variation 1439927 (VCV001439927.8), dbSNP rs181604705, ClinGen allele CA9758116.